The following is an entry in ClinVar:

NM_001792.5(CDH2):c.2527G>T (p.Ala843Ser)

Genes: CDH2 (cadherin 2; minus strand), CDH2-AS1 (CDH2 antisense RNA 1; plus strand). Cytogenetic location: 18q12.1.
Variant type: single nucleotide variant.
Coding change: c.2527G>T on transcript NM_001792.5 (MANE Select); coding-DNA position 2527, G replaced by T.
Protein change: p.Ala843Ser; replaces alanine 843 with serine.
Molecular consequence: missense variant.
Genome position (GRCh38, 1-based): chr18:27,952,347, C>A on the plus strand (G>T on the coding strand, the complement: CDH2 is on the minus strand). VCF-style: chr18-27952347-C-A. GRCh37 (hg19) VCF-style: chr18-25532311-C-A.
Other names: c.2434G>T, p.Ala812Ser (NM_001308176.2); short protein forms A812S, A843S.
Identifiers: ClinVar variation 4826754 (VCV004826754.1).

ClinVar aggregate classification (germline): Uncertain significance (1 of 4 stars; one submission).

Conditions:
Inborn genetic diseases. Identifiers: MedGen C0950123, MeSH D030342.

Submission:

Ambry Genetics
Classification: Uncertain significance for Inborn genetic diseases. Last evaluated: 2026-03-11. Review status: criteria provided, single submitter. Criteria: Ambry Variant Classification Scheme 2023. Collection method: clinical testing. Allele origin: germline.
Comment: The p.A843S variant (also known as c.2527G>T), located in coding exon 16 of the CDH2 gene, results from a G to T substitution at nucleotide position 2527. The alanine at codon 843 is replaced by serine, an amino acid with similar properties. This amino acid position is conserved. In addition, this alteration is predicted to be deleterious by in silico analysis. Based on the available evidence, the clinical significance of this variant remains unclear.